The following is an entry in ClinVar:

NM_001127222.2(CACNA1A):c.4292G>A (p.Arg1431Gln)

Gene: CACNA1A (calcium voltage-gated channel subunit alpha1 A; minus strand). Cytogenetic location: 19p13.13.
Variant type: single nucleotide variant.
Coding change: c.4292G>A on transcript NM_001127222.2 (MANE Select); coding-DNA position 4292, G replaced by A.
Protein change: p.Arg1431Gln; replaces arginine 1431 with glutamine.
Molecular consequence: missense variant.
Genome position (GRCh38, 1-based): chr19:13,259,660, C>T on the plus strand (G>A on the coding strand, the complement: CACNA1A is on the minus strand). VCF-style: chr19-13259660-C-T. GRCh37 (hg19) VCF-style: chr19-13370474-C-T.
Other names: c.4304G>A, p.Arg1435Gln (NM_000068.4, NM_023035.3); c.4295G>A, p.Arg1432Gln (NM_001127221.2, NM_001174080.2); short protein forms R1432Q, R1435Q, R1431Q.
Identifiers: ClinVar variation 588576 (VCV000588576.14), dbSNP rs369440853, ClinGen allele CA9240036.

ClinVar aggregate classification (germline): Conflicting classifications of pathogenicity. Review status: criteria provided, conflicting classifications (1 of 4 stars). 3 submissions from 3 submitters: Uncertain significance (1); Likely benign (2). Last evaluated 2023-10-23.

Conditions:
Developmental and epileptic encephalopathy, 42 (DEE42A). Also called: DEVELOPMENTAL AND EPILEPTIC ENCEPHALOPATHY 42A; EPILEPTIC ENCEPHALOPATHY, EARLY INFANTILE, 42A; Epileptic encephalopathy, early infantile, 42. Identifiers: MedGen C4310716, MONDO:0014917, OMIM 617106.
Episodic ataxia type 2 (EA2). Also called: ACETAZOLAMIDE-RESPONSIVE HEREDITARY PAROXYSMAL CEREBELLAR ATAXIA; ATAXIA, EPISODIC, WITH NYSTAGMUS; ATAXIA, FAMILIAL PAROXYSMAL; CEREBELLAR ATAXIA, PAROXYSMAL, ACETAZOLAMIDE-RESPONSIVE; CEREBELLOPATHY, HEREDITARY PAROXYSMAL; EPISODIC ATAXIA, NYSTAGMUS-ASSOCIATED. Identifiers: Orphanet 97, MedGen C1720416, MONDO:0007163, OMIM 108500.
Inborn genetic diseases. Identifiers: MedGen C0950123, MeSH D030342.

Allele frequency attached by ClinVar (database versions not stated): ExAC 0.00001; gnomAD exomes 0.00001 and 0.00003; TOPMed 0.00002; gnomAD 0.00003 and 0.00004; ESP Exome Variant Server 0.00008.
gnomAD v4.1: 47 of 1,610,870 alleles (0.0029%); highest among the groups gnomAD compares: Non-Finnish European, 0.0038%; no homozygotes.

Submissions (3):

Labcorp Genetics (formerly Invitae), Labcorp
Classification: Uncertain significance for Developmental and epileptic encephalopathy, 42; Episodic ataxia type 2. Last evaluated: 2023-10-23. Review status: criteria provided, single submitter. Criteria: Invitae Variant Classification Sherloc (09022015). Collection method: clinical testing. Allele origin: germline.
Comment: This sequence change replaces arginine, which is basic and polar, with glutamine, which is neutral and polar, at codon 1432 of the CACNA1A protein (p.Arg1432Gln). This variant is present in population databases (rs369440853, gnomAD 0.003%). This variant has not been reported in the literature in individuals affected with CACNA1A-related conditions. ClinVar contains an entry for this variant (Variation ID: 588576). Advanced modeling of protein sequence and biophysical properties (such as structural, functional, and spatial information, amino acid conservation, physicochemical variation, residue mobility, and thermodynamic stability) performed at Invitae indicates that this missense variant is not expected to disrupt CACNA1A protein function with a negative predictive value of 95%. In summary, the available evidence is currently insufficient to determine the role of this variant in disease. Therefore, it has been classified as a Variant of Uncertain Significance.

GeneDx
Classification: Likely benign. Last evaluated: 2019-11-15. Review status: criteria provided, single submitter. Criteria: GeneDx Variant Classification Process June 2021. Collection method: clinical testing. Allele origin: germline. Affected: yes.

Ambry Genetics
Classification: Likely benign for Inborn genetic diseases. Last evaluated: 2018-09-04. Review status: criteria provided, single submitter. Criteria: Ambry Variant Classification Scheme 2023. Collection method: clinical testing. Allele origin: germline.